The following is an entry in ClinVar:

NM_003184.4(TAF2):c.1038A>C (p.Leu346Phe)

Gene: TAF2 (TATA-box binding protein associated factor 2; minus strand). Cytogenetic location: 8q24.12.
Variant type: single nucleotide variant.
Coding change: c.1038A>C on transcript NM_003184.4 (MANE Select); coding-DNA position 1038, A replaced by C.
Protein change: p.Leu346Phe; replaces leucine 346 with phenylalanine.
Molecular consequence: missense variant.
Genome position (GRCh38, 1-based): chr8:119,797,043, T>G on the plus strand (A>C on the coding strand, the complement: TAF2 is on the minus strand). VCF-style: chr8-119797043-T-G. GRCh37 (hg19) VCF-style: chr8-120809283-T-G.
Other names: short protein forms L346F.
Identifiers: ClinVar variation 1907661 (VCV001907661.3), dbSNP rs770843380, ClinGen allele CA4857427.
Genomic context (GRCh38, chr8:119,797,043, plus strand): 5'-CACTCACCAAGACATTCTAGATATGAAACAACCAAAAAACTGCTGGGCCAAGGATTGGGC[T>G]AAACACCTTCTAGTCAAAGGTGTCTCATCTATAATCATGGCACTGTGTAAAAGATTTGTG-3'
Protein context (NP_003175.2, residues 336-356): IDETPLTRRC[Leu346Phe]AQSLAQQFFG

ClinVar aggregate classification (germline): Uncertain significance (1 of 4 stars; one submission).

Allele frequency attached by ClinVar (database versions not stated): TOPMed 0.00001.
gnomAD v4.1: 4 of 1,613,398 alleles (0.00025%); highest among the groups gnomAD compares: Admixed American, 0.0067%; no homozygotes.

Submission:

Labcorp Genetics (formerly Invitae), Labcorp
Classification: Uncertain significance. Last evaluated: 2023-07-17. Review status: criteria provided, single submitter. Criteria: Invitae Variant Classification Sherloc (09022015). Collection method: clinical testing. Allele origin: germline.
Comment: ClinVar contains an entry for this variant (Variation ID: 1907661). This sequence change replaces leucine, which is neutral and non-polar, with phenylalanine, which is neutral and non-polar, at codon 346 of the TAF2 protein (p.Leu346Phe). This variant is present in population databases (rs770843380, gnomAD 0.01%). This variant has not been reported in the literature in individuals affected with TAF2-related conditions. Advanced modeling of protein sequence and biophysical properties (such as structural, functional, and spatial information, amino acid conservation, physicochemical variation, residue mobility, and thermodynamic stability) performed at Invitae indicates that this missense variant is not expected to disrupt TAF2 protein function. In summary, the available evidence is currently insufficient to determine the role of this variant in disease. Therefore, it has been classified as a Variant of Uncertain Significance.